The following is an entry in ClinVar:

ClinVar aggregate classification (germline): Pathogenic. Review status: criteria provided, multiple submitters, no conflicts (2 of 4 stars). 5 submissions from 5 submitters: Pathogenic (4). 1 of the submissions does not count toward it. Last evaluated 2026-08-11.

Conditions:
Malignant tumor of urinary bladder. Also called: Bladder cancer; Urinary bladder cancer; Urinary Bladder Neoplasms. Identifiers: MedGen C0005684, MONDO:0001187, OMIM 109800.
Tuberous sclerosis 1 (TSC1). Identifiers: Orphanet 805, MedGen C1854465, MONDO:0008612, OMIM 191100.

Submissions (5):

Myriad Genetics, Inc.
Classification: Pathogenic for Tuberous sclerosis 1. Last evaluated: 2026-08-11. Review status: criteria provided, single submitter. Criteria: Myriad Autosomal Dominant, Autosomal Recessive and X-Linked Classification Criteria (2023). Collection method: clinical testing. Allele origin: unknown.
Comment: This variant is considered pathogenic. This variant creates a termination codon and is predicted to result in premature protein truncation.

Center of Human Genetics, Hôpital Erasme
Classification: Pathogenic for Tuberous sclerosis 1. Last evaluated: 2025-01-01. Review status: criteria provided, single submitter. Criteria: ACMG Guidelines, 2015. Collection method: clinical testing. Allele origin: inherited. Affected: yes.

GeneDx
Classification: Pathogenic. Last evaluated: 2024-12-04. Review status: criteria provided, single submitter. Criteria: GeneDx Variant Classification Process June 2021. Collection method: clinical testing. Allele origin: germline. Affected: yes.
Comment: Reported previously as a maternally inherited pathogenic variant in a patient with a clinical diagnosis of tuberous sclerosis complex; no c. or maternal clinical information was provided (PMID: 32917966); Nonsense variant predicted to result in protein truncation or nonsense mediated decay in a gene for which loss of function is a known mechanism of disease; Not observed at significant frequency in large population cohorts (gnomAD); This variant is associated with the following publications: (PMID: 24271014, 35870981, 32917966)

Labcorp Genetics (formerly Invitae), Labcorp
Classification: Pathogenic for Tuberous sclerosis 1. Last evaluated: 2021-10-12. Review status: criteria provided, single submitter. Criteria: Invitae Variant Classification Sherloc (09022015). Collection method: clinical testing. Allele origin: germline.
Comment: For these reasons, this variant has been classified as Pathogenic. This premature translational stop signal has been observed in individual(s) with tuberous sclerosis (PMID: 24271014). This variant is not present in population databases (ExAC no frequency). This sequence change creates a premature translational stop signal (p.Gln343*) in the TSC1 gene. It is expected to result in an absent or disrupted protein product. Loss-of-function variants in TSC1 are known to be pathogenic (PMID: 10227394, 17304050).

Laboratory of Urology, Hospital Clinic de Barcelona
Classification: Pathogenic for Malignant tumor of urinary bladder. Review status: no assertion criteria provided. Collection method: research. Allele origin: somatic. Affected: yes. Not counted in ClinVar's aggregate classification.

Literature cited by the submitters: PubMed 24271014 (cited by Labcorp Genetics (formerly Invitae), Labcorp); PubMed 10227394 (cited by Labcorp Genetics (formerly Invitae), Labcorp); PubMed 17304050 (cited by Labcorp Genetics (formerly Invitae), Labcorp).

NM_000368.5(TSC1):c.1027C>T (p.Gln343Ter)

Gene: TSC1 (TSC complex subunit 1; minus strand). Cytogenetic location: 9q34.13.
Variant type: single nucleotide variant.
Coding change: c.1027C>T on transcript NM_000368.5 (MANE Select); coding-DNA position 1027, C replaced by T.
Protein change: p.Gln343Ter; replaces glutamine 343 with a stop codon.
Molecular consequence: nonsense.
Genome position (GRCh38, 1-based): chr9:132,911,455, G>A on the plus strand (C>T on the coding strand, the complement: TSC1 is on the minus strand). VCF-style: chr9-132911455-G-A. GRCh37 (hg19) VCF-style: chr9-135786842-G-A.
Other names: c.1027C>T, p.Gln343Ter (NM_001162426.2); c.874C>T, p.Gln292Ter (NM_001162427.2); c.664C>T, p.Gln222Ter (NM_001362177.2); c.1027C>T (NM_000368.4); short protein forms Q222*, Q292*, Q343*.
Identifiers: ClinVar variation 1076275 (VCV001076275.10), dbSNP rs2131972870, ClinGen allele CA375368399.